The following is an entry in ClinVar:

ClinVar aggregate classification (germline): Uncertain significance (1 of 4 stars; one submission).

Conditions:
Intellectual developmental disorder, X-linked 1. Also called: Atkin Flaitz Patil Smith syndrome; Intellectual disability, X-linked 1; MENTAL RETARDATION, X-LINKED 18; MENTAL RETARDATION, X-LINKED 78. Identifiers: Orphanet 777, MedGen C2931498, MONDO:0010656, OMIM 309530.

Submission:

Labcorp Genetics (formerly Invitae), Labcorp
Classification: Uncertain significance for Intellectual developmental disorder, X-linked 1. Last evaluated: 2021-12-27. Review status: criteria provided, single submitter. Criteria: Invitae Variant Classification Sherloc (09022015). Collection method: clinical testing. Allele origin: germline.
Comment: Algorithms developed to predict the effect of missense changes on protein structure and function are either unavailable or do not agree on the potential impact of this missense change (SIFT: "Tolerated"; PolyPhen-2: "Probably Damaging"; Align-GVGD: "Class C0"). In summary, the available evidence is currently insufficient to determine the role of this variant in disease. Therefore, it has been classified as a Variant of Uncertain Significance. This variant has not been reported in the literature in individuals affected with IQSEC2-related conditions. This sequence change replaces valine, which is neutral and non-polar, with isoleucine, which is neutral and non-polar, at codon 468 of the IQSEC2 protein (p.Val468Ile). This variant is not present in population databases (gnomAD no frequency).

NM_001111125.3(IQSEC2):c.1402G>A (p.Val468Ile)

Gene: IQSEC2 (IQ motif and Sec7 domain ArfGEF 2; minus strand). Cytogenetic location: Xp11.22.
Variant type: single nucleotide variant.
Coding change: c.1402G>A on transcript NM_001111125.3 (MANE Select); coding-DNA position 1402, G replaced by A.
Protein change: p.Val468Ile; replaces valine 468 with isoleucine.
Molecular consequence: missense variant.
Genome position (GRCh38, 1-based): chrX:53,251,174, C>T on the plus strand (G>A on the coding strand, the complement: IQSEC2 is on the minus strand). VCF-style: chrX-53251174-C-T. GRCh37 (hg19) VCF-style: chrX-53280356-C-T.
Other names: c.1402G>A, p.Val468Ile (NM_001410736.1); c.787G>A, p.Val263Ile (NM_015075.2); short protein forms V263I, V468I.
Identifiers: ClinVar variation 2062455 (VCV002062455.4), dbSNP rs2519812315, ClinGen allele CA413166928.